The following is an entry in ClinVar:

NM_001080413.3(NOBOX):c.68G>A (p.Gly23Asp)

Gene: NOBOX (NOBOX oogenesis homeobox; minus strand). Cytogenetic location: 7q35.
Variant type: single nucleotide variant.
Coding change: c.68G>A on transcript NM_001080413.3; coding-DNA position 68, G replaced by A.
Protein change: p.Gly23Asp; replaces glycine 23 with aspartic acid.
Genome position (GRCh38, 1-based): chr7:144,410,160, C>T on the plus strand (G>A on the coding strand, the complement: NOBOX is on the minus strand). VCF-style: chr7-144410160-C-T. GRCh37 (hg19) VCF-style: chr7-144107253-C-T.
Other names: NM_001080413.3:c.68G>A; short protein forms G23D.
Identifiers: ClinVar variation 909176 (VCV000909176.4), dbSNP rs563911669, ClinGen allele CA4544983.

ClinVar aggregate classification (germline): Benign (1 of 4 stars; one submission).

Conditions:
Premature ovarian failure 5 (POF5). Identifiers: MedGen C1969060, MONDO:0012689, OMIM 611548.

Allele frequency attached by ClinVar (database versions not stated): gnomAD exomes 0.00019 and 0.00006; 1000 Genomes Project 30x 0.00031; 1000 Genomes Project 0.00040; gnomAD 0.00004 and 0.00007; TOPMed 0.00016; ExAC 0.00037.
gnomAD v4.1: 103 of 1,567,058 alleles (0.0066%); highest among the groups gnomAD compares: East Asian, 0.2%; no homozygotes.

Submission:

Illumina Laboratory Services, Illumina
Classification: Benign for Premature ovarian failure 5. Last evaluated: 2018-01-12. Review status: criteria provided, single submitter. Criteria: ICSL Variant Classification Criteria 13 December 2019. Collection method: clinical testing. Allele origin: germline.
Comment: This variant was observed in the ICSL laboratory as part of a predisposition screen in an ostensibly healthy population. It had not been previously curated by ICSL or reported in the Human Gene Mutation Database (HGMD: prior to June 1st, 2018), and was therefore a candidate for classification through an automated scoring system. Utilizing variant allele frequency, disease prevalence and penetrance estimates, and inheritance mode, an automated score was calculated to assess if this variant is too frequent to cause the disease. Based on the score and internal cut-off values, a variant classified as benign is not then subjected to further curation. The score for this variant resulted in a classification of benign for this disease.